The following is an entry in ClinVar:

ClinVar aggregate classification (germline): not provided (0 of 4 stars; one submission).

Conditions:
Familial long QT syndrome (RWS). Also called: Congenital long QT syndrome; Romano-Ward syndrome; VENTRICULAR FIBRILLATION WITH PROLONGED QT INTERVAL. Identifiers: Orphanet 768, MedGen C1141890, MONDO:0019171.

Submission:

Cardiovascular Biomedical Research Unit, Royal Brompton & Harefield NHS Foundation Trust
No classification provided. Condition: Familial long QT syndrome. Review status: no classification provided. Collection method: literature only. Allele origin: germline.
Comment: This variant has been reported as associated with Long QT syndrome in the following publications (PMID:19716085;PMID:19841300). This is a literature report, and does not necessarily reflect the clinical interpretation of the Imperial College / Royal Brompton Cardiovascular Genetics laboratory.

Literature cited by the submitters: PubMed 19716085; PubMed 19841300; PubMed 22581653.

NM_000238.4(KCNH2):c.192C>G (p.Cys64Trp)

Gene: KCNH2 (potassium voltage-gated channel subfamily H member 2; minus strand). Cytogenetic location: 7q36.1.
Variant type: single nucleotide variant.
Coding change: c.192C>G on transcript NM_000238.4 (MANE Select); coding-DNA position 192, C replaced by G.
Protein change: p.Cys64Trp; replaces cysteine 64 with tryptophan.
Molecular consequence: missense variant.
Genome position (GRCh38, 1-based): chr7:150,974,826, G>C on the plus strand (C>G on the coding strand, the complement: KCNH2 is on the minus strand). VCF-style: chr7-150974826-G-C. GRCh37 (hg19) VCF-style: chr7-150671914-G-C.
Other names: c.192C>G (LRG_288t1); c.15C>G, p.Cys5Trp (NM_001406755.1); c.192C>G, p.Cys64Trp (NM_172056.3); short protein forms C64W, C5W.
Identifiers: ClinVar variation 67338 (VCV000067338.3), dbSNP rs199473414, ClinGen allele CA006038.